The following is an entry in ClinVar:

NM_024685.4(BBS10):c.959_962del (p.Ser320fs)

Gene: BBS10 (Bardet-Biedl syndrome 10; minus strand). Cytogenetic location: 12q21.2.
Variant type: Microsatellite.
Coding change: c.959_962del on transcript NM_024685.4 (MANE Select); coding-DNA positions 959 to 962, 4 bases deleted (GTTA; older notation c.959_962delGTTA).
Protein change: p.Ser320fs; shifts the reading frame from serine 320.
Molecular consequence: frameshift variant.
Genome position (GRCh38, 1-based): chr12:76,347,023-76,347,026, TAAC deleted on the plus strand (GTTA on the coding strand, the reverse complement: BBS10 is on the minus strand); deleting any 4 consecutive bases within chr12:76,347,023-76,347,033 gives the same sequence; the c. name uses the placement nearest the transcript's 3' end. VCF-style (leftmost placement, unchanged base first): chr12-76347022-ATAAC-A. GRCh37 (hg19) VCF-style: chr12-76740802-ATAAC-A.
Other names: c.959_962del (NM_024685.3); short protein forms S320fs.
Identifiers: ClinVar variation 266102 (VCV000266102.12), dbSNP rs758522600, ClinGen allele CA6694256.

ClinVar aggregate classification (germline): Pathogenic/Likely pathogenic. Review status: criteria provided, multiple submitters, no conflicts (2 of 4 stars). 6 submissions from 6 submitters: Pathogenic (2); Likely pathogenic (1). 3 of the submissions do not count toward it. Last evaluated 2025-04-14.

Conditions:
Bardet-Biedl syndrome (BBS). Identifiers: Orphanet 110, MedGen C0752166, MONDO:0015229.
Bardet-Biedl syndrome 10 (BBS10). Identifiers: Orphanet 110, MedGen C1859568, MONDO:0014438, OMIM 615987.
Asphyxiating thoracic dystrophy 3. Also called: SHORT-RIB THORACIC DYSPLASIA 3 WITH OR WITHOUT POLYDACTYLY; POLYDACTYLY WITH NEONATAL CHONDRODYSTROPHY, TYPE I; SHORT-RIB THORACIC DYSPLASIA 3/6 WITH POLYDACTYLY, DIGENIC; Short rib polydactyly syndrome 2B; Saldino-Noonan Syndrome. Identifiers: Orphanet 474, Orphanet 93269, Orphanet 93270, Orphanet 93271, MedGen C0036069, MONDO:0013127, OMIM 613091.

Submissions (6):

Natera, Inc.
Classification: Likely pathogenic for Bardet-Biedl syndrome type 10. Last evaluated: 2025-04-14. Review status: criteria provided, single submitter. Criteria: Natera Variant Classification Schema (03/2026). Collection method: clinical testing. Allele origin: germline.
Comment: The c.959_962delGTTA variant in BBS10 is a frameshift variant predicted to shift the reading frame beginning at codon 320 and leads to a stop codon 5 codons downstream. This variant is expected to result in nonsense mediated decay, truncation, or a dysfunctional protein product. This variant is rare in the general population with a frequency below the threshold expected for the associated phenotype(s). This variant has been observed in one or more individuals affected with the associated recessive disease, as either homozygous or compound heterozygous with a second variant (PMID: 27894351). Given the available evidence, this variant is classified as Likely Pathogenic.

Labcorp Genetics (formerly Invitae), Labcorp
Classification: Pathogenic for Bardet-Biedl syndrome. Last evaluated: 2024-01-04. Review status: criteria provided, single submitter. Criteria: Invitae Variant Classification Sherloc (09022015). Collection method: clinical testing. Allele origin: germline.
Comment: This sequence change creates a premature translational stop signal (p.Ser320Ilefs*5) in the BBS10 gene. While this is not anticipated to result in nonsense mediated decay, it is expected to disrupt the last 404 amino acid(s) of the BBS10 protein. This variant is present in population databases (rs758522600, gnomAD 0.007%). This premature translational stop signal has been observed in individual(s) with clinical features of BBS10-related conditions (PMID: 27894351). ClinVar contains an entry for this variant (Variation ID: 266102). This variant disrupts a region of the BBS10 protein in which other variant(s) (p.Val707*) have been determined to be pathogenic (PMID: 20472660, 22773737, 25982971, 27486776). This suggests that this is a clinically significant region of the protein, and that variants that disrupt it are likely to be disease-causing. For these reasons, this variant has been classified as Pathogenic.

Baylor Genetics
Classification: Pathogenic for Bardet-Biedl syndrome 10. Last evaluated: 2023-12-13. Review status: criteria provided, single submitter. Criteria: ACMG Guidelines, 2015. Collection method: clinical testing. Allele origin: unknown.

Counsyl
Classification: Likely pathogenic for Bardet-Biedl syndrome 10. Last evaluated: 2018-02-06. Review status: no assertion criteria provided. Collection method: clinical testing. Allele origin: unknown. Not counted in ClinVar's aggregate classification.

Biesecker Lab/Clinical Genomics Section, National Institutes of Health
Classification: Likely pathogenic for Bardet-Biedl syndrome 10. Last evaluated: 2015-04-02. Review status: no assertion criteria provided. Collection method: curation. Allele origin: germline. Study: CSER_ClinSeq. Not counted in ClinVar's aggregate classification.

Genomic Medicine Center of Excellence, King Faisal Specialist Hospital and Research Centre
Classification: Pathogenic for Short-rib thoracic dysplasia. Review status: no assertion criteria provided. Collection method: research. Allele origin: germline. Affected: yes. Observed: 1 homozygote. Not counted in ClinVar's aggregate classification.

Literature cited by the submitters: PubMed 27894351 (cited by 3 submitters); PubMed 20472660 (cited by Labcorp Genetics (formerly Invitae), Labcorp); PubMed 22773737 (cited by Labcorp Genetics (formerly Invitae), Labcorp); PubMed 25982971 (cited by Labcorp Genetics (formerly Invitae), Labcorp); PubMed 27486776 (cited by Labcorp Genetics (formerly Invitae), Labcorp).